The following is an entry in ClinVar:

NM_000059.4(BRCA2):c.4279T>A (p.Phe1427Ile)

Gene: BRCA2 (BRCA2 DNA repair associated; plus strand). Cytogenetic location: 13q13.1.
Variant type: single nucleotide variant.
Coding change: c.4279T>A on transcript NM_000059.4 (MANE Select); coding-DNA position 4279, T replaced by A.
Protein change: p.Phe1427Ile; replaces phenylalanine 1427 with isoleucine.
Molecular consequence: missense variant.
Genome position (GRCh38, 1-based): chr13:32,338,634, T>A. VCF-style: chr13-32338634-T-A. GRCh37 (hg19) VCF-style: chr13-32912771-T-A.
Other names: p.F1427I:TTT>ATT; short protein forms F1427I.
Identifiers: ClinVar variation 182209 (VCV000182209.20), dbSNP rs730881531, ClinGen allele CA019902.

ClinVar aggregate classification (germline): Conflicting classifications of pathogenicity. Review status: criteria provided, conflicting classifications (1 of 4 stars). 5 submissions from 5 submitters: Uncertain significance (3); Likely benign (2). Last evaluated 2025-10-30.

Conditions:
Hereditary cancer-predisposing syndrome. Also called: Tumor predisposition; Hereditary Cancer Syndrome; Hereditary neoplastic syndrome; Neoplastic Syndromes, Hereditary. Identifiers: Orphanet 140162, MedGen C0027672, MeSH D009386, MONDO:0015356.
Hereditary breast ovarian cancer syndrome. Also called: Breast and ovarian cancer; Hereditary breast and ovarian cancer syndrome; Hereditary breast and ovarian cancer; BRCA1- and BRCA2-Associated Hereditary Breast and Ovarian Cancer; Hereditary breast and ovarian cancer syndrome (HBOC); Hereditary breast and/or ovarian cancer syndrome. Identifiers: Orphanet 145, MedGen C0677776, MeSH D061325, MONDO:0003582. Disease mechanism: loss of function.
Breast-ovarian cancer, familial, susceptibility to, 2 (BROVCA2). Also called: BRCA2 Hereditary Breast and Ovarian Cancer. Identifiers: Orphanet 145, MedGen C2675520, MONDO:0012933, OMIM 612555. Disease mechanism: loss of function.

Allele frequency attached by ClinVar (database versions not stated): TOPMed below 0.00001; gnomAD 0.00001.
gnomAD v4.1: 1 of 1,598,278 alleles (0.000063%); highest among the groups gnomAD compares: Non-Finnish European, 0.000085%; no homozygotes.

Submissions (5):

Ambry Genetics
Classification: Uncertain significance for Hereditary cancer-predisposing syndrome. Last evaluated: 2025-10-30. Review status: criteria provided, single submitter. Criteria: Ambry Variant Classification Scheme 2023. Collection method: clinical testing. Allele origin: germline.
Comment: The p.F1427I variant (also known as c.4279T>A), located in coding exon 10 of the BRCA2 gene, results from a T to A substitution at nucleotide position 4279. The phenylalanine at codon 1427 is replaced by isoleucine, an amino acid with highly similar properties. This amino acid position is not well conserved in available vertebrate species. In addition, this alteration is predicted to be tolerated by in silico analysis. Since supporting evidence is limited at this time, the clinical significance of this alteration remains unclear.

Myriad Genetics, Inc.
Classification: Likely benign for Breast-ovarian cancer, familial, susceptibility to, 2. Last evaluated: 2024-06-05. Review status: criteria provided, single submitter. Criteria: Myriad Autosomal Dominant, Autosomal Recessive and X-Linked Classification Criteria (2023). Collection method: clinical testing. Allele origin: unknown.
Comment: This variant is considered likely benign. This variant is strongly associated with less severe personal and family histories of cancer, typical for individuals without pathogenic variants in this gene [PMID: 25085752].

GeneDx
Classification: Uncertain significance. Last evaluated: 2023-04-12. Review status: criteria provided, single submitter. Criteria: GeneDx Variant Classification Process June 2021. Collection method: clinical testing. Allele origin: germline. Affected: yes.
Comment: Not observed at significant frequency in large population cohorts (gnomAD); In silico analysis supports that this missense variant does not alter protein structure/function; Has not been previously published as pathogenic or benign to our knowledge; Also known as 4507T>A; This variant is associated with the following publications: (PMID: 32377563, 9002670, 22193408, 29884841, 31911673)

University of Washington Department of Laboratory Medicine, University of Washington
Classification: Likely benign for Hereditary cancer-predisposing syndrome. Last evaluated: 2023-03-23. Review status: criteria provided, single submitter. Criteria: Dines et al. (Genet Med. 2020). Collection method: curation. Allele origin: germline.
Comment: Missense variant in a coldspot region where missense variants are very unlikely to be pathogenic (PMID:31911673).

BRCA2 exon 11 coldspot. Reclassification based on statistical prior probability.

Labcorp Genetics (formerly Invitae), Labcorp
Classification: Uncertain significance for Hereditary breast ovarian cancer syndrome. Last evaluated: 2023-03-03. Review status: criteria provided, single submitter. Criteria: Invitae Variant Classification Sherloc (09022015). Collection method: clinical testing. Allele origin: germline.
Comment: This sequence change replaces phenylalanine, which is neutral and non-polar, with isoleucine, which is neutral and non-polar, at codon 1427 of the BRCA2 protein (p.Phe1427Ile). This variant is not present in population databases (gnomAD no frequency). This variant has not been reported in the literature in individuals affected with BRCA2-related conditions. ClinVar contains an entry for this variant (Variation ID: 182209). Advanced modeling of protein sequence and biophysical properties (such as structural, functional, and spatial information, amino acid conservation, physicochemical variation, residue mobility, and thermodynamic stability) performed at Invitae indicates that this missense variant is not expected to disrupt BRCA2 protein function. In summary, the available evidence is currently insufficient to determine the role of this variant in disease. Therefore, it has been classified as a Variant of Uncertain Significance.

Literature cited by the submitters: PubMed 25085752 (cited by Myriad Genetics, Inc.).